The following is an entry in ClinVar:

NM_000038.6(APC):c.4261A>T (p.Ser1421Cys)

Gene: APC (APC regulator of Wnt signaling pathway; plus strand). Cytogenetic location: 5q22.2.
Variant type: single nucleotide variant.
Coding change: c.4261A>T on transcript NM_000038.6 (MANE Select); coding-DNA position 4261, A replaced by T.
Protein change: p.Ser1421Cys; replaces serine 1421 with cysteine.
Molecular consequence: missense variant.
Genome position (GRCh38, 1-based): chr5:112,839,855, A>T. VCF-style: chr5-112839855-A-T. GRCh37 (hg19) VCF-style: chr5-112175552-A-T.
Other names: c.4084A>T, p.Ser1362Cys (NM_001354901.2, NM_001407453.1); c.3988A>T, p.Ser1330Cys (NM_001354902.2); c.3958A>T, p.Ser1320Cys (NM_001354903.2, NM_001407458.1, NM_001407459.1 and 1 more transcripts); c.3781A>T, p.Ser1261Cys (NM_001354905.2); c.3412A>T, p.Ser1138Cys (NM_001354906.2, NM_001407470.1); c.3883A>T, p.Ser1295Cys (NM_001354904.2); c.4261A>T, p.Ser1421Cys (NM_001127510.3, NM_001354895.2, NM_001407450.1); c.4207A>T, p.Ser1403Cys (NM_001127511.3); and 11 more; short protein forms S1330C, S1403C, S1411C, S1320C, S1380C, S1414C, S1439C, S1449C.
Identifiers: ClinVar variation 1739176 (VCV001739176.2), dbSNP rs1303200783, ClinGen allele CA16030667.

ClinVar aggregate classification (germline): Uncertain significance (1 of 4 stars; one submission).

Conditions:
Hereditary cancer-predisposing syndrome. Also called: Hereditary Cancer Syndrome; Hereditary neoplastic syndrome; Neoplastic Syndromes, Hereditary; Tumor predisposition. Identifiers: Orphanet 140162, MedGen C0027672, MeSH D009386, MONDO:0015356.

Submission:

Ambry Genetics
Classification: Uncertain significance for Hereditary cancer-predisposing syndrome. Last evaluated: 2021-05-13. Review status: criteria provided, single submitter. Criteria: Ambry Variant Classification Scheme 2023. Collection method: clinical testing. Allele origin: germline.
Comment: The p.S1421C variant (also known as c.4261A>T), located in coding exon 15 of the APC gene, results from an A to T substitution at nucleotide position 4261. The serine at codon 1421 is replaced by cysteine, an amino acid with dissimilar properties. This amino acid position is highly conserved in available vertebrate species. In addition, in silico predictors for this gene do not accurately predict pathogenicity. Since supporting evidence is limited at this time, the clinical significance of this alteration remains unclear.